The following is an entry in ClinVar:

ClinVar aggregate classification (germline): Uncertain significance. Review status: criteria provided, single submitter (1 of 4 stars). 2 submissions from 2 submitters: Uncertain significance (1). 1 of the submissions does not count toward it. Last evaluated 2020-03-17.

Conditions:
TUB-related disorder. Also called: TUB-related condition.

Allele frequency attached by ClinVar (database versions not stated): TOPMed below 0.00001; gnomAD 0.00001; gnomAD exomes below 0.00001.
gnomAD v4.1: 3 of 1,613,974 alleles (0.00019%); highest among the groups gnomAD compares: Non-Finnish European, 0.00025%; no homozygotes.

Submissions (2):

Labcorp Genetics (formerly Invitae), Labcorp
Classification: Uncertain significance. Last evaluated: 2020-03-17. Review status: criteria provided, single submitter. Criteria: Invitae Variant Classification Sherloc (09022015). Collection method: clinical testing. Allele origin: germline.
Comment: In summary, the available evidence is currently insufficient to determine the role of this variant in disease. Therefore, it has been classified as a Variant of Uncertain Significance. Algorithms developed to predict the effect of missense changes on protein structure and function are either unavailable or do not agree on the potential impact of this missense change (SIFT: "Tolerated"; PolyPhen-2: "Possibly Damaging"; Align-GVGD: "Class C0"). This variant has not been reported in the literature in individuals with TUB-related conditions. This variant is not present in population databases (ExAC no frequency). This sequence change replaces glutamic acid with aspartic acid at codon 452 of the TUB protein (p.Glu452Asp). The glutamic acid residue is highly conserved and there is a small physicochemical difference between glutamic acid and aspartic acid.

PreventionGenetics, part of Exact Sciences
Classification: Uncertain significance for TUB-related condition. Last evaluated: 2024-09-28. Review status: no assertion criteria provided. Collection method: clinical testing. Allele origin: germline. Not counted in ClinVar's aggregate classification.
Comment: The TUB c.1356G>C variant is predicted to result in the amino acid substitution p.Glu452Asp. To our knowledge, this variant has not been reported in the literature or in a large population database, indicating this variant is rare. At this time, the clinical significance of this variant is uncertain due to the absence of conclusive functional and genetic evidence.

NM_177972.3(TUB):c.1191G>C (p.Glu397Asp)

Genes: RIC3 (RIC3 acetylcholine receptor chaperone; minus strand), TUB (TUB bipartite transcription factor; plus strand). Cytogenetic location: 11p15.4.
Variant type: single nucleotide variant.
Coding change: c.1191G>C on transcript NM_177972.3 (MANE Select); coding-DNA position 1191, G replaced by C.
Protein change: p.Glu397Asp; replaces glutamic acid 397 with aspartic acid.
Molecular consequence: missense variant.
Genome position (GRCh38, 1-based): chr11:8,100,577, G>C. VCF-style: chr11-8100577-G-C. GRCh37 (hg19) VCF-style: chr11-8122124-G-C.
Other names: c.1356G>C, p.Glu452Asp (NM_003320.5); c.1356G>C (NM_003320.4); short protein forms E397D, E452D.
Identifiers: ClinVar variation 1022899 (VCV001022899.7), dbSNP rs1370693176, ClinGen allele CA379571097.
Genomic context (GRCh38, chr11:8,100,577, plus strand): 5'-AGGCTTCAAGGGGCCTCGGAAGATGAGCGTGATTGTCCCAGGCATGAACATGGTTCATGA[G>C]AGAGTCTCTATCCGCCCCCGCAACGTGAGTGTCTACCCCTTCCTCCCCTCTTTCCCCATC-3'
Protein context (NP_813977.1, residues 387-407): VIVPGMNMVH[Glu397Asp]RVSIRPRNEH